The following is an entry in ClinVar:

NM_001987.5(ETV6):c.1329T>A (p.Asp443Glu)

Gene: ETV6 (ETS variant transcription factor 6; plus strand). Cytogenetic location: 12p13.2.
Variant type: single nucleotide variant.
Coding change: c.1329T>A on transcript NM_001987.5 (MANE Select); coding-DNA position 1329, T replaced by A.
Protein change: p.Asp443Glu; replaces aspartic acid 443 with glutamic acid.
Molecular consequence: missense variant. On other transcripts: 3 prime UTR variant (1).
Genome position (GRCh38, 1-based): chr12:11,891,016, T>A. VCF-style: chr12-11891016-T-A. GRCh37 (hg19) VCF-style: chr12-12043950-T-A.
Other names: c.1326T>A, p.Asp442Glu (NM_001413913.1); c.1302T>A, p.Asp434Glu (NM_001413914.1); c.1065T>A, p.Asp355Glu (NM_001413915.1); c.*68T>A (NM_001413917.1); short protein forms D434E, D442E, D443E, D355E.
Identifiers: ClinVar variation 3846553 (VCV003846553.1).

ClinVar aggregate classification (germline): Uncertain significance (1 of 4 stars; one submission).

Conditions:
Inborn genetic diseases. Identifiers: MedGen C0950123, MeSH D030342.

gnomAD v4.1: 1 of 1,613,652 alleles (0.000062%); highest among the groups gnomAD compares: Non-Finnish European, 0.000085%; no homozygotes.

Submission:

Ambry Genetics
Classification: Uncertain significance for Inborn genetic diseases. Last evaluated: 2025-03-03. Review status: criteria provided, single submitter. Criteria: Ambry Variant Classification Scheme 2023. Collection method: clinical testing. Allele origin: germline.
Comment: The p.D443E variant (also known as c.1329T>A), located in coding exon 8 of the ETV6 gene, results from a T to A substitution at nucleotide position 1329. The aspartic acid at codon 443 is replaced by glutamic acid, an amino acid with highly similar properties. This amino acid position is conserved. In addition, this alteration is predicted to be tolerated by in silico analysis. Based on the available evidence, the clinical significance of this variant remains unclear.